The following is an entry in ClinVar:

ClinVar aggregate classification (germline): Uncertain significance (1 of 4 stars; one submission).

Conditions:
Interstitial lung disease due to ABCA3 deficiency. Also called: PULMONARY ALVEOLAR PROTEINOSIS, CONGENITAL, 3. Identifiers: Orphanet 440402, MedGen C1970456, MONDO:0012582, OMIM 610921.

gnomAD v4.1: 6 of 1,612,608 alleles (0.00037%); highest among the groups gnomAD compares: South Asian, 0.0011%; no homozygotes.

Submission:

Myriad Genetics, Inc.
Classification: Uncertain significance for Interstitial lung disease due to ABCA3 deficiency. Last evaluated: 2026-05-22. Review status: criteria provided, single submitter. Criteria: Myriad Autosomal Dominant, Autosomal Recessive and X-Linked Classification Criteria (2023). Collection method: clinical testing. Allele origin: unknown.
Comment: NM_001089.2(ABCA3):c.2233G>A(G745R) is a missense variant classified as a variant of uncertain significance in the context of surfactant deficiency, ABCA3-related. G745R has been observed in a case with relevant disease (PMID: 24871971). Relevant functional assessments of this variant are not available in the literature. G745R has not been observed in referenced population frequency databases. In summary, there is insufficient evidence to classify NM_001089.2(ABCA3):c.2233G>A(G745R) as pathogenic or benign. Please note: this variant was assessed in the context of healthy population screening.

Literature cited by the submitters: PubMed 24871971.

NM_001089.3(ABCA3):c.2233G>A (p.Gly745Arg)

Gene: ABCA3 (ATP binding cassette subfamily A member 3; minus strand). Cytogenetic location: 16p13.3.
Variant type: single nucleotide variant.
Coding change: c.2233G>A on transcript NM_001089.3 (MANE Select); coding-DNA position 2233, G replaced by A.
Protein change: p.Gly745Arg; replaces glycine 745 with arginine.
Molecular consequence: missense variant.
Genome position (GRCh38, 1-based): chr16:2,297,359, C>T on the plus strand (G>A on the coding strand, the complement: ABCA3 is on the minus strand). VCF-style: chr16-2297359-C-T. GRCh37 (hg19) VCF-style: chr16-2347360-C-T.
Other names: short protein forms G745R.
Identifiers: ClinVar variation 5004073 (VCV005004073.1).